The following is an entry in ClinVar:

NM_018006.5(TRMU):c.937_964del (p.Ile313fs)

Gene: TRMU (tRNA mitochondrial 2-thiouridylase; plus strand). Cytogenetic location: 22q13.31.
Variant type: Deletion.
Coding change: c.937_964del on transcript NM_018006.5 (MANE Select); coding-DNA positions 937 to 964, 28 bases deleted (ATTGCGGAGGAGCCTCCCGCAGCACTGG).
Protein change: p.Ile313fs; shifts the reading frame from isoleucine 313.
Molecular consequence: frameshift variant. On other transcripts: non-coding transcript variant (2).
Genome position (GRCh38, 1-based): chr22:46,355,507-46,355,534, ATTGCGGAGGAGCCTCCCGCAGCACTGG deleted; deleting any 28 consecutive bases within chr22:46,355,500-46,355,534 gives the same sequence; the c. name uses the placement nearest the transcript's 3' end. VCF-style (leftmost placement, unchanged base first): chr22-46355499-TGCACTGGATTGCGGAGGAGCCTCCCGCA-T. GRCh37 (hg19) VCF-style: chr22-46751396-TGCACTGGATTGCGGAGGAGCCTCCCGCA-T.
Other names: c.595_622del, p.Ile199fs (NM_001282782.2); c.517_544del, p.Ile173fs (NM_001282783.2, NM_001282784.2); c.937_964del, p.Ile313fs (NM_001282785.2); short protein forms I173fs, I199fs, I313fs.
Identifiers: ClinVar variation 4816006 (VCV004816006.1).

ClinVar aggregate classification (germline): Likely pathogenic (1 of 4 stars; one submission).

Conditions:
Acute infantile liver failure due to synthesis defect of mtDNA-encoded proteins. Also called: Liver failure acute infantile; LIVER FAILURE, INFANTILE, TRANSIENT; TRMU Deficiency. Identifiers: Orphanet 217371, MedGen C3278664, MONDO:0013111, OMIM 613070.

Submission:

Natera, Inc.
Classification: Likely pathogenic for Acute infantile liver failure due to synthesis defect of mtDNA-encoded proteins. Last evaluated: 2024-05-01. Review status: criteria provided, single submitter. Criteria: Natera Variant Classification Schema (03/2026). Collection method: clinical testing. Allele origin: germline.
Comment: The c.937_964delATTGCGGAGGAGCCTCCCGCAGCACTGG variant in TRMU is a frameshift variant predicted to shift the reading frame beginning at codon 313 and leads to a stop codon 5 codons downstream. This variant is expected to result in nonsense mediated decay, truncation, or a dysfunctional protein product. This variant is rare in the general population with a frequency below the threshold expected for the associated phenotype(s). Given the available evidence, this variant is classified as Likely Pathogenic.